The following is an entry in ClinVar:

ClinVar aggregate classification (germline): Uncertain significance (1 of 4 stars; one submission).

Conditions:
Hereditary cancer-predisposing syndrome. Also called: Hereditary Cancer Syndrome; Hereditary neoplastic syndrome; Neoplastic Syndromes, Hereditary; Tumor predisposition. Identifiers: Orphanet 140162, MedGen C0027672, MeSH D009386, MONDO:0015356.

Submission:

Ambry Genetics
Classification: Uncertain significance for Hereditary cancer-predisposing syndrome. Last evaluated: 2025-08-21. Review status: criteria provided, single submitter. Criteria: Ambry Variant Classification Scheme 2023. Collection method: clinical testing. Allele origin: germline.
Comment: The p.V1833L variant (also known as c.5497G>T), located in coding exon 24 of the DICER1 gene, results from a G to T substitution at nucleotide position 5497. The valine at codon 1833 is replaced by leucine, an amino acid with highly similar properties. This amino acid position is highly conserved in available vertebrate species. In addition, this alteration is predicted to be deleterious by in silico analysis. Based on the available evidence, the clinical significance of this variant remains unclear.

NM_177438.3(DICER1):c.5497G>T (p.Val1833Leu)

Gene: DICER1 (dicer 1, ribonuclease III; minus strand). Cytogenetic location: 14q32.13.
Variant type: single nucleotide variant.
Coding change: c.5497G>T on transcript NM_177438.3 (MANE Select); coding-DNA position 5497, G replaced by T.
Protein change: p.Val1833Leu; replaces valine 1833 with leucine.
Molecular consequence: missense variant. On other transcripts: non-coding transcript variant (6), intron variant (1).
Genome position (GRCh38, 1-based): chr14:95,091,233, C>A on the plus strand (G>T on the coding strand, the complement: DICER1 is on the minus strand). VCF-style: chr14-95091233-C-A. GRCh37 (hg19) VCF-style: chr14-95557570-C-A.
Other names: c.5497G>T, p.Val1833Leu (NM_001271282.3, NM_001291628.2, NM_001395677.1 and 8 more transcripts); c.5215G>T, p.Val1739Leu (NM_001395686.1); c.5092G>T, p.Val1698Leu (NM_001395687.1, NM_001395688.1, NM_001395689.1 and 1 more transcripts); c.4930G>T, p.Val1644Leu (NM_001395691.1); c.3814G>T, p.Val1272Leu (NM_001395697.1); c.5365-124G>T (NM_001195573.1); short protein forms V1739L, V1644L, V1698L, V1272L, V1833L.
Identifiers: ClinVar variation 1747884 (VCV001747884.3), dbSNP rs2139776433, ClinGen allele CA390864520.